The following is an entry in ClinVar:

NM_052867.4(NALCN):c.966T>G (p.Ile322Met)

Gene: NALCN (sodium leak channel, non-selective; minus strand). Cytogenetic location: 13q33.1.
Variant type: single nucleotide variant.
Coding change: c.966T>G on transcript NM_052867.4 (MANE Select); coding-DNA position 966, T replaced by G.
Protein change: p.Ile322Met; replaces isoleucine 322 with methionine.
Molecular consequence: missense variant.
Genome position (GRCh38, 1-based): chr13:101,292,071, A>C on the plus strand (T>G on the coding strand, the complement: NALCN is on the minus strand). VCF-style: chr13-101292071-A-C. GRCh37 (hg19) VCF-style: chr13-101944422-A-C.
Other names: c.966T>G, p.Ile322Met (NM_001350748.2, NM_001350749.2, NM_001350750.2 and 1 more transcripts); short protein forms I322M.
Identifiers: ClinVar variation 1809774 (VCV001809774.1), dbSNP rs2043575502, ClinGen allele CA388704806.

ClinVar aggregate classification (germline): Likely pathogenic (1 of 4 stars; one submission).

Submission:

Athena Diagnostics
Classification: Likely pathogenic. Last evaluated: 2020-11-12. Review status: criteria provided, single submitter. Criteria: Athena Diagnostics Criteria. Collection method: clinical testing. Allele origin: unknown.
Comment: This variant has not been reported in large, multi-ethnic general populations. Computational tools yielded predictions that this amino acid change may be damaging to the protein. This observation is not an independent occurrence and has been identified in the same individual by RCIGM, the other laboratory participating in the GEMINI study.